The following is an entry in ClinVar:

ClinVar aggregate classification (germline): Conflicting classifications of pathogenicity. Review status: criteria provided, conflicting classifications (1 of 4 stars). 2 submissions from 2 submitters: Uncertain significance (1); Likely benign (1). Last evaluated 2022-09-22.

Conditions:
Inborn genetic diseases. Identifiers: MedGen C0950123, MeSH D030342.
Dyskeratosis congenita. Identifiers: Orphanet 1775, MedGen C0265965, MONDO:0015780.

Allele frequency attached by ClinVar (database versions not stated): gnomAD exomes 0.00001; ExAC 0.00002.

Submissions (2):

Ambry Genetics
Classification: Likely benign for Inborn genetic diseases. Last evaluated: 2022-09-22. Review status: criteria provided, single submitter. Criteria: Ambry Variant Classification Scheme 2023. Collection method: clinical testing. Allele origin: germline.

Labcorp Genetics (formerly Invitae), Labcorp
Classification: Uncertain significance for Dyskeratosis congenita. Last evaluated: 2022-06-20. Review status: criteria provided, single submitter. Criteria: Invitae Variant Classification Sherloc (09022015). Collection method: clinical testing. Allele origin: germline.
Comment: This sequence change replaces arginine, which is basic and polar, with cysteine, which is neutral and slightly polar, at codon 436 of the CTC1 protein (p.Arg436Cys). This variant is present in population databases (rs764414504, gnomAD 0.006%). This variant has not been reported in the literature in individuals affected with CTC1-related conditions. Algorithms developed to predict the effect of missense changes on protein structure and function output the following: SIFT: "Tolerated"; PolyPhen-2: "Benign"; Align-GVGD: "Class C0". The cysteine amino acid residue is found in multiple mammalian species, which suggests that this missense change does not adversely affect protein function. In summary, the available evidence is currently insufficient to determine the role of this variant in disease. Therefore, it has been classified as a Variant of Uncertain Significance.

NM_025099.6(CTC1):c.1306C>T (p.Arg436Cys)

Gene: CTC1 (CST telomere replication complex component 1; minus strand). Cytogenetic location: 17p13.1.
Variant type: single nucleotide variant.
Coding change: c.1306C>T on transcript NM_025099.6 (MANE Select); coding-DNA position 1306, C replaced by T.
Protein change: p.Arg436Cys; replaces arginine 436 with cysteine.
Molecular consequence: missense variant. On other transcripts: non-coding transcript variant (1).
Genome position (GRCh38, 1-based): chr17:8,235,186, G>A on the plus strand (C>T on the coding strand, the complement: CTC1 is on the minus strand). VCF-style: chr17-8235186-G-A. GRCh37 (hg19) VCF-style: chr17-8138504-G-A.
Other names: c.1306C>T (NM_025099.5); short protein forms R436C.
Identifiers: ClinVar variation 1417861 (VCV001417861.4), dbSNP rs764414504, ClinGen allele CA8372391.